The following is an entry in ClinVar:

NM_002778.4(PSAP):c.490A>G (p.Met164Val)

Gene: PSAP (prosaposin; minus strand). Cytogenetic location: 10q22.1.
Variant type: single nucleotide variant.
Coding change: c.490A>G on transcript NM_002778.4 (MANE Select); coding-DNA position 490, A replaced by G.
Protein change: p.Met164Val; replaces methionine 164 with valine.
Molecular consequence: missense variant.
Genome position (GRCh38, 1-based): chr10:71,828,963, T>C on the plus strand (A>G on the coding strand, the complement: PSAP is on the minus strand). VCF-style: chr10-71828963-T-C. GRCh37 (hg19) VCF-style: chr10-73588720-T-C.
Other names: c.490A>G, p.Met164Val (NM_001042465.3, NM_001042466.3); short protein forms M164V.
Identifiers: ClinVar variation 1502578 (VCV001502578.3), dbSNP rs1842455358, ClinGen allele CA377152154.

ClinVar aggregate classification (germline): Uncertain significance (1 of 4 stars; one submission).

Conditions:
Sphingolipid activator protein 1 deficiency. Also called: METACHROMATIC LEUKODYSTROPHY DUE TO CEREBROSIDE SULFATASE ACTIVATOR DEFICIENCY; Metachromatic leukodystrophy due to saposin B deficiency; Saposin B Deficiency. Identifiers: Orphanet 512, MedGen C0268262, MONDO:0009590, OMIM 249900.

Allele frequency attached by ClinVar (database versions not stated): gnomAD exomes below 0.00001; gnomAD 0.00001.

Submission:

Labcorp Genetics (formerly Invitae), Labcorp
Classification: Uncertain significance for Sphingolipid activator protein 1 deficiency. Last evaluated: 2022-08-10. Review status: criteria provided, single submitter. Criteria: Invitae Variant Classification Sherloc (09022015). Collection method: clinical testing. Allele origin: germline.
Comment: This sequence change replaces methionine with valine at codon 164 of the PSAP protein (p.Met164Val). The methionine residue is weakly conserved and there is a small physicochemical difference between methionine and valine. This variant is not present in population databases (gnomAD no frequency). This variant has not been reported in the literature in individuals affected with PSAP-related conditions. ClinVar contains an entry for this variant (Variation ID: 1502578). Algorithms developed to predict the effect of missense changes on protein structure and function output the following: SIFT: "Not Available"; PolyPhen-2: "Benign"; Align-GVGD: "Not Available". The valine amino acid residue is found in multiple mammalian species, which suggests that this missense change does not adversely affect protein function. In summary, the available evidence is currently insufficient to determine the role of this variant in disease. Therefore, it has been classified as a Variant of Uncertain Significance.